The following is an entry in ClinVar:

ClinVar aggregate classification (germline): Pathogenic. Review status: criteria provided, multiple submitters, no conflicts (2 of 4 stars). 2 submissions from 2 submitters: Pathogenic (2). Last evaluated 2024-03-06.

Conditions:
Deafness-lymphedema-leukemia syndrome. Also called: Emberger syndrome; Lymphedema, primary, with myelodysplasia. Identifiers: Orphanet 3226, MedGen C3279664, MONDO:0013540, OMIM 614038.
GATA2 deficiency with susceptibility to MDS/AML. Identifiers: MedGen CN300066, MONDO:0042982.

Submissions (2):

GeneDx
Classification: Pathogenic. Last evaluated: 2024-03-06. Review status: criteria provided, single submitter. Criteria: GeneDx Variant Classification Process June 2021. Collection method: clinical testing. Allele origin: germline. Affected: yes.
Comment: Frameshift variant predicted to result in protein truncation or nonsense mediated decay in a gene for which loss of function is a known mechanism of disease; Not observed at significant frequency in large population cohorts (gnomAD); This variant is associated with the following publications: (PMID: 23502222, 23365458, 34529785, 34387894, 24227816)

Molecular Pathology Research Laboratory, SA Pathology
Classification: Pathogenic for GATA2 deficiency with susceptibility to MDS/AML; Deafness-lymphedema-leukemia syndrome. Last evaluated: 2021-07-06. Review status: criteria provided, single submitter. Criteria: ACMG Guidelines, 2015. Collection method: curation. Allele origin: unknown. Inheritance: Autosomal dominant inheritance. Affected: yes. Observed: 1 variant allele.
Comment: PVS1, PS4_Supporting, PM2

Literature cited by the submitters: PubMed 24227816 (cited by Molecular Pathology Research Laboratory, SA Pathology); PubMed 23365458 (cited by Molecular Pathology Research Laboratory, SA Pathology); PubMed 23502222 (cited by Molecular Pathology Research Laboratory, SA Pathology); PubMed 24077845 (cited by Molecular Pathology Research Laboratory, SA Pathology).

NM_032638.5(GATA2):c.302del (p.Gly101fs)

Gene: GATA2 (GATA binding protein 2; minus strand). Cytogenetic location: 3q21.3.
Variant type: Deletion.
Coding change: c.302del on transcript NM_032638.5 (MANE Select); coding-DNA position 302, one base deleted (G; older notation c.302delG).
Protein change: p.Gly101fs; shifts the reading frame from glycine 101.
Molecular consequence: frameshift variant.
Genome position (GRCh38, 1-based): chr3:128,486,296, C deleted on the plus strand (G on the coding strand, the reverse complement: GATA2 is on the minus strand); the first of 5 consecutive C bases (chr3:128,486,296-128,486,300); deleting any one gives the same sequence. VCF-style (leftmost placement, unchanged base first): chr3-128486295-GC-G. GRCh37 (hg19) VCF-style: chr3-128205138-GC-G.
Other names: c.302del, p.Gly101fs (NM_001145661.2, NM_001145662.1); c.302del (NM_032638.4); short protein forms G101fs.
Identifiers: ClinVar variation 1184172 (VCV001184172.2), dbSNP rs2107672888, ClinGen allele CA1139532778.